The following is an entry in ClinVar:

ClinVar aggregate classification (germline): Uncertain significance. Review status: criteria provided, multiple submitters, no conflicts (2 of 4 stars). 3 submissions from 3 submitters: Uncertain significance (3). Last evaluated 2024-11-21.

Conditions:
Severe combined immunodeficiency due to LAT deficiency. Also called: Immunodeficiency 52. Identifiers: Orphanet 504523, MedGen C4479588, MONDO:0044721, OMIM 617514.

Allele frequency attached by ClinVar (database versions not stated): 1000 Genomes Project 30x 0.00016; 1000 Genomes Project 0.00020; ESP Exome Variant Server 0.00031; gnomAD exomes 0.00037 and 0.00039; gnomAD 0.00038 and 0.00039; ExAC 0.00041; TOPMed 0.00042.
gnomAD v4.1: 613 of 1,614,072 alleles (0.038%); highest among the groups gnomAD compares: Non-Finnish European, 0.047%; no homozygotes.

Submissions (3):

Blueprint Genetics
Classification: Uncertain significance. Last evaluated: 2024-11-21. Review status: criteria provided, single submitter. Criteria: ACMG Guidelines, 2015. Collection method: clinical testing. Allele origin: germline.

Labcorp Genetics (formerly Invitae), Labcorp
Classification: Uncertain significance. Last evaluated: 2022-10-18. Review status: criteria provided, single submitter. Criteria: Invitae Variant Classification Sherloc (09022015). Collection method: clinical testing. Allele origin: germline.
Comment: This sequence change replaces proline, which is neutral and non-polar, with leucine, which is neutral and non-polar, at codon 141 of the LAT protein (p.Pro141Leu). This variant is present in population databases (rs139206035, gnomAD 0.06%). This variant has not been reported in the literature in individuals affected with LAT-related conditions. ClinVar contains an entry for this variant (Variation ID: 1028939). Algorithms developed to predict the effect of missense changes on protein structure and function (SIFT, PolyPhen-2, Align-GVGD) all suggest that this variant is likely to be disruptive. In summary, the available evidence is currently insufficient to determine the role of this variant in disease. Therefore, it has been classified as a Variant of Uncertain Significance.

Baylor Genetics
Classification: Uncertain significance for Severe combined immunodeficiency due to LAT deficiency. Last evaluated: 2019-11-26. Review status: criteria provided, single submitter. Criteria: ACMG Guidelines, 2015. Collection method: clinical testing. Allele origin: unknown. Affected: yes.
Comment: This variant was determined to be of uncertain significance according to ACMG Guidelines, 2015 [PMID:25741868].

NM_001014987.2(LAT):c.422C>T (p.Pro141Leu)

Gene: LAT (linker for activation of T cells; plus strand). Cytogenetic location: 16p11.2.
Variant type: single nucleotide variant.
Coding change: c.422C>T on transcript NM_001014987.2 (MANE Select); coding-DNA position 422, C replaced by T.
Protein change: p.Pro141Leu; replaces proline 141 with leucine.
Molecular consequence: missense variant.
Genome position (GRCh38, 1-based): chr16:28,986,822, C>T. VCF-style: chr16-28986822-C-T. GRCh37 (hg19) VCF-style: chr16-28998143-C-T.
Other names: c.419C>T, p.Pro140Leu (NM_001014988.2); c.530C>T, p.Pro177Leu (NM_001014989.2); c.509C>T, p.Pro170Leu (NM_014387.4); short protein forms P170L, P177L, P140L, P141L.
Identifiers: ClinVar variation 1028939 (VCV001028939.5), dbSNP rs139206035, ClinGen allele CA7990013.